The following is an entry in ClinVar:

ClinVar aggregate classification (germline): Uncertain significance (1 of 4 stars; one submission).

Submission:

GeneDx
Classification: Uncertain significance. Last evaluated: 2024-01-12. Review status: criteria provided, single submitter. Criteria: GeneDx Variant Classification Process June 2021. Collection method: clinical testing. Allele origin: germline. Affected: yes.
Comment: Not observed at significant frequency in large population cohorts (gnomAD); In silico analysis supports that this missense variant has a deleterious effect on protein structure/function; Has not been previously published as pathogenic or benign to our knowledge

NM_002249.6(KCNN3):c.1622T>C (p.Val541Ala)

Gene: KCNN3 (potassium calcium-activated channel subfamily N member 3; minus strand). Cytogenetic location: 1q21.3.
Variant type: single nucleotide variant.
Coding change: c.1622T>C on transcript NM_002249.6 (MANE Select); coding-DNA position 1622, T replaced by C.
Protein change: p.Val541Ala; replaces valine 541 with alanine.
Molecular consequence: missense variant.
Genome position (GRCh38, 1-based): chr1:154,725,995, A>G on the plus strand (T>C on the coding strand, the complement: KCNN3 is on the minus strand). VCF-style: chr1-154725995-A-G. GRCh37 (hg19) VCF-style: chr1-154698471-A-G.
Other names: c.1667T>C, p.Val556Ala (NM_001204087.2); c.728T>C, p.Val243Ala (NM_001365837.1); c.683T>C, p.Val228Ala (NM_001365838.1); c.707T>C, p.Val236Ala (NM_170782.3); short protein forms V228A, V236A, V243A, V541A, V556A.
Identifiers: ClinVar variation 3367864 (VCV003367864.1).